The following is an entry in ClinVar:

ClinVar aggregate classification (germline): Uncertain significance. Review status: criteria provided, multiple submitters, no conflicts (2 of 4 stars). 2 submissions from 2 submitters: Uncertain significance (2). Last evaluated 2025-08-14.

Conditions:
Epileptic encephalopathy. Identifiers: MedGen C0543888, HP:0200134.

Allele frequency attached by ClinVar (database versions not stated): gnomAD 0.00001; gnomAD exomes 0.00004 and 0.00010; TOPMed 0.00006; ExAC 0.00017.

Submissions (2):

Ambry Genetics
Classification: Uncertain significance. Last evaluated: 2025-08-14. Review status: criteria provided, single submitter. Criteria: Ambry Variant Classification Scheme 2023. Collection method: clinical testing. Allele origin: germline.

Labcorp Genetics (formerly Invitae), Labcorp
Classification: Uncertain significance for Epileptic encephalopathy. Last evaluated: 2025-04-01. Review status: criteria provided, single submitter. Criteria: Invitae Variant Classification Sherloc (09022015). Collection method: clinical testing. Allele origin: germline.
Comment: This sequence change replaces alanine, which is neutral and non-polar, with threonine, which is neutral and polar, at codon 464 of the FASN protein (p.Ala464Thr). This variant is present in population databases (rs755971315, gnomAD 0.02%). This variant has not been reported in the literature in individuals affected with FASN-related conditions. ClinVar contains an entry for this variant (Variation ID: 1024188). An algorithm developed to predict the effect of missense changes on protein structure and function outputs the following: PolyPhen-2: "Benign". The threonine amino acid residue is found in multiple mammalian species, which suggests that this missense change does not adversely affect protein function. In summary, the available evidence is currently insufficient to determine the role of this variant in disease. Therefore, it has been classified as a Variant of Uncertain Significance.

NM_004104.5(FASN):c.1390G>A (p.Ala464Thr)

Gene: FASN (fatty acid synthase; minus strand). Cytogenetic location: 17q25.3.
Variant type: single nucleotide variant.
Coding change: c.1390G>A on transcript NM_004104.5 (MANE Select); coding-DNA position 1390, G replaced by A.
Protein change: p.Ala464Thr; replaces alanine 464 with threonine.
Molecular consequence: missense variant.
Genome position (GRCh38, 1-based): chr17:82,091,324, C>T on the plus strand (G>A on the coding strand, the complement: FASN is on the minus strand). VCF-style: chr17-82091324-C-T. GRCh37 (hg19) VCF-style: chr17-80049200-C-T.
Other names: c.1390G>A (NM_004104.4); short protein forms A464T.
Identifiers: ClinVar variation 1024188 (VCV001024188.11), dbSNP rs755971315, ClinGen allele CA8853181.